The following is an entry in ClinVar:

NM_000435.3(NOTCH3):c.5114+10C>G

Gene: NOTCH3 (notch receptor 3; minus strand). Cytogenetic location: 19p13.12.
Variant type: single nucleotide variant.
Coding change: c.5114+10C>G on transcript NM_000435.3 (MANE Select); 10 bases into the intron after coding-DNA position 5114, C replaced by G.
Molecular consequence: intron variant.
Genome position (GRCh38, 1-based): chr19:15,170,321, G>C on the plus strand (C>G on the coding strand, the complement: NOTCH3 is on the minus strand). VCF-style: chr19-15170321-G-C. GRCh37 (hg19) VCF-style: chr19-15281132-G-C.
Identifiers: ClinVar variation 447853 (VCV000447853.9), dbSNP rs369547319, ClinGen allele CA9262742.

ClinVar aggregate classification (germline): Benign/Likely benign. Review status: criteria provided, multiple submitters, no conflicts (2 of 4 stars). 4 submissions from 4 submitters: Benign (1); Likely benign (2). 1 of the submissions does not count toward it. Last evaluated 2024-12-02.

Conditions:
NOTCH3-related disorder. Also called: NOTCH3-related condition; NOTCH3-related disorders.

Allele frequency attached by ClinVar (database versions not stated): gnomAD exomes 0.00005; ExAC 0.00007; ESP Exome Variant Server 0.00015; gnomAD 0.00019 and 0.00020; TOPMed 0.00029; 1000 Genomes Project 0.00040; 1000 Genomes Project 30x 0.00047.
gnomAD v4.1: 76 of 1,610,586 alleles (0.0047%); highest among the groups gnomAD compares: African/African-American, 0.087%; no homozygotes.

Submissions (4):

Labcorp Genetics (formerly Invitae), Labcorp
Classification: Likely benign. Last evaluated: 2024-12-02. Review status: criteria provided, single submitter. Criteria: Invitae Variant Classification Sherloc (09022015). Collection method: clinical testing. Allele origin: germline.

Blueprint Genetics
Classification: Likely benign. Last evaluated: 2024-06-26. Review status: criteria provided, single submitter. Criteria: ACMG Guidelines, 2015. Collection method: clinical testing. Allele origin: germline.

Athena Diagnostics
Classification: Benign. Last evaluated: 2017-06-28. Review status: criteria provided, single submitter. Criteria: Athena Diagnostics Criteria. Collection method: clinical testing. Allele origin: germline.

PreventionGenetics, part of Exact Sciences
Classification: Likely benign for NOTCH3-related condition. Last evaluated: 2021-04-23. Review status: no assertion criteria provided. Collection method: clinical testing. Allele origin: germline. Not counted in ClinVar's aggregate classification.
Comment: This variant is classified as likely benign based on ACMG/AMP sequence variant interpretation guidelines (Richards et al. 2015 PMID: 25741868, with internal and published modifications).